The following is an entry in ClinVar:

ClinVar aggregate classification (germline): Likely pathogenic (1 of 4 stars; one submission).

Conditions:
Cutis laxa, autosomal dominant 3 (ADCL3). Identifiers: Orphanet 90348, MedGen C4225268, MONDO:0014706, OMIM 616603.
Autosomal dominant spastic paraplegia type 9. Identifiers: MedGen C1832669, MONDO:0015091.
de Barsy syndrome. Also called: Cutis laxa-corneal clouding-oligophrenia syndrome. Identifiers: Orphanet 2962, MedGen C0268354, MONDO:0017569.

gnomAD v4.1: 10 of 1,614,192 alleles (0.00062%); highest among the groups gnomAD compares: South Asian, 0.0011%; no homozygotes.

Submission:

Labcorp Genetics (formerly Invitae), Labcorp
Classification: Likely pathogenic for Autosomal dominant spastic paraplegia type 9; de Barsy syndrome; Cutis laxa, autosomal dominant 3. Last evaluated: 2025-11-11. Review status: criteria provided, single submitter. Criteria: Invitae Variant Classification Sherloc (09022015). Collection method: clinical testing. Allele origin: germline.
Comment: This sequence change replaces arginine, which is basic and polar, with histidine, which is basic and polar, at codon 64 of the ALDH18A1 protein (p.Arg64His). This variant is present in population databases (rs752174025, gnomAD 0.01%). This missense change has been observed in individual(s) with autosomal recessive cutis laxa (PMID: 28567303). In at least one individual the data is consistent with being in trans (on the opposite chromosome) from a pathogenic variant. ClinVar contains an entry for this variant (Variation ID: 3755775). Invitae Evidence Modeling of protein sequence and biophysical properties (such as structural, functional, and spatial information, amino acid conservation, physicochemical variation, residue mobility, and thermodynamic stability) indicates that this missense variant is expected to disrupt ALDH18A1 protein function with a positive predictive value of 95%. In summary, the currently available evidence indicates that the variant is pathogenic, but additional data are needed to prove that conclusively. Therefore, this variant has been classified as Likely Pathogenic.

Literature cited by the submitters: PubMed 28567303.

NM_002860.4(ALDH18A1):c.191G>A (p.Arg64His)

Gene: ALDH18A1 (aldehyde dehydrogenase 18 family member A1; minus strand). Cytogenetic location: 10q24.1.
Variant type: single nucleotide variant.
Coding change: c.191G>A on transcript NM_002860.4 (MANE Select); coding-DNA position 191, G replaced by A.
Protein change: p.Arg64His; replaces arginine 64 with histidine.
Molecular consequence: missense variant. On other transcripts: intron variant (4).
Genome position (GRCh38, 1-based): chr10:95,643,104, C>T on the plus strand (G>A on the coding strand, the complement: ALDH18A1 is on the minus strand). VCF-style: chr10-95643104-C-T. GRCh37 (hg19) VCF-style: chr10-97402861-C-T.
Other names: c.191G>A, p.Arg64His (NM_001017423.2, NM_001323413.2, NM_001323414.2 and 2 more transcripts); c.-78-9455G>A (NM_001323419.2); c.-30-5668G>A (NM_001323412.2, NM_001323418.2, NM_001323416.2); short protein forms R64H.
Identifiers: ClinVar variation 3755775 (VCV003755775.2).
Genomic context (GRCh38, chr10:95,643,104, plus strand): 5'-CGGGTCACCACGGCACTGCCGAGCTTCACCACGATTCTCTTGGCATGCTTCAGCTCACTG[C>T]GGTGGGCGAAGGACTTGCCATGTGTACGACTGAGGGGTACAGTGATAAACGGGATGTTGC-3'
Protein context (NP_002851.2, residues 54-74): SRTHGKSFAH[Arg64His]SELKHAKRIV